The following is an entry in ClinVar:

ClinVar aggregate classification (germline): Conflicting classifications of pathogenicity. Review status: criteria provided, conflicting classifications (1 of 4 stars). 8 submissions from 8 submitters: Pathogenic (4); Likely pathogenic (2); Uncertain significance (1). 1 of the submissions does not count toward it. Last evaluated 2024-04-18.

Conditions:
TNNI3-related disorder. Also called: TNNI3-related disorders; TNNI3-related condition.
Cardiovascular phenotype. Identifiers: MedGen CN230736.
Cardiomyopathy (CMYO). Also called: Cardiomyopathies. Identifiers: Orphanet 167848, MedGen C0878544, MONDO:0004994, HP:0001638. Inheritance: Various modes of inheritance.
Hypertrophic cardiomyopathy. Also called: HYPERTROPHIC MYOCARDIOPATHY. Identifiers: Orphanet 217569, MedGen C0007194, MeSH D002312, MONDO:0005045, HP:0001639.

Submissions (8):

Labcorp Genetics (formerly Invitae), Labcorp
Classification: Pathogenic for Hypertrophic cardiomyopathy. Last evaluated: 2024-04-18. Review status: criteria provided, single submitter. Criteria: Invitae Variant Classification Sherloc (09022015). Collection method: clinical testing. Allele origin: germline.
Comment: This variant, c.532_534del, results in the deletion of 1 amino acid(s) of the TNNI3 protein (p.Lys178del), but otherwise preserves the integrity of the reading frame. This variant is not present in population databases (gnomAD no frequency). This variant has been observed in individual(s) with hypertrophic cardiomyopathy (PMID: 12707239, 18402758, 21533915, 27532257). In at least one individual the variant was observed to be de novo. ClinVar contains an entry for this variant (Variation ID: 43386). Experimental studies and prediction algorithms are not available or were not evaluated, and the functional significance of this variant is currently unknown. For these reasons, this variant has been classified as Pathogenic.

Blueprint Genetics
Classification: Likely pathogenic for TNNI3-related disorders. Last evaluated: 2024-02-08. Review status: criteria provided, single submitter. Criteria: ACMG Guidelines, 2015. Collection method: clinical testing. Allele origin: germline. Affected: yes. Observed: 2 variant alleles.

GeneDx
Classification: Pathogenic. Last evaluated: 2023-05-04. Review status: criteria provided, single submitter. Criteria: GeneDx Variant Classification Process June 2021. Collection method: clinical testing. Allele origin: germline. Affected: yes.
Comment: In-frame deletion of one amino acids in a non-repeat region; In silico analysis supports a deleterious effect on protein structure/function; Not observed at significant frequency in large population cohorts (gnomAD); This variant is associated with the following publications: (PMID: 21533915, 27532257, 18402758, 35456187, 12707239, 18403758)

Women's Health and Genetics/Laboratory Corporation of America, LabCorp
Classification: Pathogenic for Cardiomyopathy. Last evaluated: 2023-01-30. Review status: criteria provided, single submitter. Criteria: LabCorp Variant Classification Summary - May 2015. Collection method: clinical testing. Allele origin: germline.
Comment: Variant summary: TNNI3 c.532_534delAAG (p.Lys178del, aka p.Lys177del) results in an in-frame deletion that is predicted to remove a Lysine amino acid residue from the encoded protein. The variant was absent in 248552 control chromosomes (gnomAD). The variant, c.532_534delAAG has been reported in the literature in individuals affected with hypertrophic and restrictive cardiomyopathy, including at least 2 de novo occurrences (e.g. Richard_2003, Morita_2008, van den Wijngaard_2011, Walsh_2017). These data indicate that the variant is likely associated with disease. To our knowledge, no experimental evidence demonstrating an impact on protein function has been reported. Four submitters have provided clinical-significance assessments for this variant in ClinVar after 2014 without evidence for independent evaluation, and classified the variant as pathogenic (n=2) / likely pathogenic (n=1), or VUS (n=1). Based on the evidence outlined above, the variant was classified as pathogenic.

Revvity Omics, Revvity
Classification: Pathogenic. Last evaluated: 2023-01-02. Review status: criteria provided, single submitter. Criteria: ACMG Guidelines, 2015. Collection method: clinical testing. Allele origin: germline.

AiLife Diagnostics
Classification: Uncertain significance. Last evaluated: 2021-05-28. Review status: criteria provided, single submitter. Criteria: ACMG Guidelines, 2015. Collection method: clinical testing. Allele origin: germline. Affected: yes. Observed: 1 variant allele.

Molecular Diagnostic Laboratory for Inherited Cardiovascular Disease, Montreal Heart Institute
Classification: Likely pathogenic for Cardiovascular phenotype. Last evaluated: 2020-11-10. Review status: criteria provided, single submitter. Criteria: ACMG Guidelines, 2015. Collection method: clinical testing. Allele origin: germline. Affected: yes.

Laboratory for Molecular Medicine, Mass General Brigham Personalized Medicine
Classification: Pathogenic for Hypertrophic cardiomyopathy. Last evaluated: 2009-12-02. Review status: no assertion criteria provided. Collection method: clinical testing. Allele origin: germline. Observed: 5 variant alleles. Not counted in ClinVar's aggregate classification.

Literature cited by the submitters: PubMed 12707239 (cited by 4 submitters); PubMed 18402758 (cited by Labcorp Genetics (formerly Invitae), Labcorp); PubMed 21533915 (cited by 3 submitters); PubMed 27532257 (cited by 3 submitters); PubMed 18403758 (cited by Women's Health and Genetics/Laboratory Corporation of America, LabCorp and Laboratory for Molecular Medicine, Mass General Brigham Personalized Medicine).

NM_000363.5(TNNI3):c.529AAG[1] (p.Lys178del)

Gene: TNNI3 (troponin I3, cardiac type; minus strand). Cytogenetic location: 19q13.42.
Variant type: Microsatellite.
Coding change: c.529AAG[1] on transcript NM_000363.5 (MANE Select); one copy of the 3-base unit AAG starting at c.529; the reference has two copies in a row; one copy, 3 bases deleted; also written c.532_534del.
Protein change: p.Lys178del; deletes lysine 178.
Molecular consequence: inframe deletion.
Genome position (GRCh38, 1-based): chr19:55,154,045-55,154,047, CTT deleted on the plus strand (AAG on the coding strand, the reverse complement: TNNI3 is on the minus strand); deleting any 3 consecutive bases within chr19:55,154,045-55,154,051 gives the same sequence; the position shown is the placement nearest the transcript's 3' end. VCF-style (leftmost placement, unchanged base first): chr19-55154044-CCTT-C. GRCh37 (hg19) VCF-style: chr19-55665412-CCTT-C.
Other names: c.532_534del (NM_000363.5, NM_000363.4); short protein forms K178del.
Identifiers: ClinVar variation 43386 (VCV000043386.28), dbSNP rs397516351, ClinGen allele CA021828.